The following is an entry in ClinVar:

NM_130384.3(ATRIP):c.1791G>T (p.Glu597Asp)

Genes: ATRIP (ATR interacting protein; plus strand), ATRIP-TREX1 (ATRIP-TREX1 readthrough; plus strand). Cytogenetic location: 3p21.31.
Variant type: single nucleotide variant.
Coding change: c.1791G>T on transcript NM_130384.3 (MANE Select); coding-DNA position 1791, G replaced by T.
Protein change: p.Glu597Asp; replaces glutamic acid 597 with aspartic acid.
Molecular consequence: missense variant. On other transcripts: non-coding transcript variant (1).
Genome position (GRCh38, 1-based): chr3:48,463,790, G>T. VCF-style: chr3-48463790-G-T. GRCh37 (hg19) VCF-style: chr3-48505189-G-T.
Other names: c.1410G>T, p.Glu470Asp (NM_001271022.2); c.1512G>T, p.Glu504Asp (NM_001271023.2); c.1791G>T, p.Glu597Asp (NM_032166.4); short protein forms E504D, E470D, E597D.
Identifiers: ClinVar variation 3810414 (VCV003810414.1).

ClinVar aggregate classification (germline): Uncertain significance (1 of 4 stars; one submission).

Submission:

Ambry Genetics
Classification: Uncertain significance. Last evaluated: 2025-02-03. Review status: criteria provided, single submitter. Criteria: Ambry Variant Classification Scheme 2023. Collection method: clinical testing. Allele origin: germline.
Comment: The p.E597D variant (also known as c.1791G>T), located in coding exon 9 of the ATRIP gene, results from a G to T substitution at nucleotide position 1791. The glutamic acid at codon 597 is replaced by aspartic acid, an amino acid with highly similar properties. This amino acid position is conserved. In addition, this alteration is predicted to be tolerated by in silico analysis. Based on the available evidence, the clinical significance of this variant remains unclear.